The following is an entry in ClinVar:

NM_024700.4(SNIP1):c.1108C>T (p.Leu370Phe)

Gene: SNIP1 (Smad nuclear interacting protein 1; minus strand). Cytogenetic location: 1p34.3.
Variant type: single nucleotide variant.
Coding change: c.1108C>T on transcript NM_024700.4 (MANE Select); coding-DNA position 1108, C replaced by T.
Protein change: p.Leu370Phe; replaces leucine 370 with phenylalanine.
Molecular consequence: missense variant.
Genome position (GRCh38, 1-based): chr1:37,537,831, G>A on the plus strand (C>T on the coding strand, the complement: SNIP1 is on the minus strand). VCF-style: chr1-37537831-G-A. GRCh37 (hg19) VCF-style: chr1-38003432-G-A.
Other names: short protein forms L370F.
Identifiers: ClinVar variation 2753216 (VCV002753216.3), dbSNP rs1181969412, ClinGen allele CA339444289.

ClinVar aggregate classification (germline): Uncertain significance (1 of 4 stars; one submission).

Allele frequency attached by ClinVar (database versions not stated): gnomAD 0.00001; gnomAD exomes 0.00002.
gnomAD v4.1: 21 of 1,614,040 alleles (0.0013%); highest among the groups gnomAD compares: Non-Finnish European, 0.0017%; no homozygotes.

Submission:

Labcorp Genetics (formerly Invitae), Labcorp
Classification: Uncertain significance. Last evaluated: 2023-09-30. Review status: criteria provided, single submitter. Criteria: Invitae Variant Classification Sherloc (09022015). Collection method: clinical testing. Allele origin: germline.
Comment: This sequence change replaces leucine, which is neutral and non-polar, with phenylalanine, which is neutral and non-polar, at codon 370 of the SNIP1 protein (p.Leu370Phe). This variant is present in population databases (no rsID available, gnomAD 0.1%). This variant has not been reported in the literature in individuals affected with SNIP1-related conditions. Advanced modeling of protein sequence and biophysical properties (such as structural, functional, and spatial information, amino acid conservation, physicochemical variation, residue mobility, and thermodynamic stability) performed at Invitae indicates that this missense variant is expected to disrupt SNIP1 protein function. In summary, the available evidence is currently insufficient to determine the role of this variant in disease. Therefore, it has been classified as a Variant of Uncertain Significance.